The following is an entry in ClinVar:

ClinVar aggregate classification (germline): Uncertain significance. Review status: criteria provided, multiple submitters, no conflicts (2 of 4 stars). 2 submissions from 2 submitters: Uncertain significance (2). Last evaluated 2024-10-04.

Conditions:
Isolated microphthalmia 5. Also called: Posterior Microphthalmia with Retinitis Pigmentosa, Foveoschisis, and Optic Disc Drusen. Identifiers: Orphanet 251279, MedGen C1970236, MONDO:0012605, OMIM 611040.

Allele frequency attached by ClinVar (database versions not stated): TOPMed 0.00004; ESP Exome Variant Server 0.00008; gnomAD 0.00002.
gnomAD v4.1: 26 of 1,612,882 alleles (0.0016%); highest among the groups gnomAD compares: Admixed American, 0.0067%; no homozygotes.

Submissions (2):

Blueprint Genetics
Classification: Uncertain significance. Last evaluated: 2024-10-04. Review status: criteria provided, single submitter. Criteria: ACMG Guidelines, 2015. Collection method: clinical testing. Allele origin: germline.

Labcorp Genetics (formerly Invitae), Labcorp
Classification: Uncertain significance for Isolated microphthalmia 5. Last evaluated: 2022-08-16. Review status: criteria provided, single submitter. Criteria: Invitae Variant Classification Sherloc (09022015). Collection method: clinical testing. Allele origin: germline.
Comment: This sequence change replaces alanine, which is neutral and non-polar, with valine, which is neutral and non-polar, at codon 545 of the MFRP protein (p.Ala545Val). This variant is present in population databases (rs377691108, gnomAD 0.009%). This variant has not been reported in the literature in individuals affected with MFRP-related conditions. Algorithms developed to predict the effect of missense changes on protein structure and function are either unavailable or do not agree on the potential impact of this missense change (SIFT: "Deleterious"; PolyPhen-2: "Probably Damaging"; Align-GVGD: "Class C0"). In summary, the available evidence is currently insufficient to determine the role of this variant in disease. Therefore, it has been classified as a Variant of Uncertain Significance.

NM_031433.4(MFRP):c.1634C>T (p.Ala545Val)

Genes: C1QTNF5 (C1q and TNF related 5; minus strand), MFRP (membrane frizzled-related protein; minus strand). Cytogenetic location: 11q23.3.
Variant type: single nucleotide variant.
Coding change: c.1634C>T on transcript NM_031433.4 (MANE Select); coding-DNA position 1634, C replaced by T.
Protein change: p.Ala545Val; replaces alanine 545 with valine.
Molecular consequence: missense variant. On other transcripts: 5 prime UTR variant (1).
Genome position (GRCh38, 1-based): chr11:119,341,654, G>A on the plus strand (C>T on the coding strand, the complement: MFRP is on the minus strand). VCF-style: chr11-119341654-G-A. GRCh37 (hg19) VCF-style: chr11-119212364-G-A.
Other names: c.-1003C>T (NM_015645.5); short protein forms A545V.
Identifiers: ClinVar variation 2156088 (VCV002156088.2), dbSNP rs377691108, ClinGen allele CA6320047.